The following is an entry in ClinVar:

ClinVar aggregate classification (germline): Uncertain significance (1 of 4 stars; one submission).

Allele frequency attached by ClinVar (database versions not stated): ExAC 0.00001; 1000 Genomes Project 30x 0.00016; 1000 Genomes Project 0.00020.
gnomAD v4.1: 59 of 1,613,264 alleles (0.0037%); highest among the groups gnomAD compares: East Asian, 0.0089%; no homozygotes.

Submission:

Labcorp Genetics (formerly Invitae), Labcorp
Classification: Uncertain significance. Last evaluated: 2023-12-18. Review status: criteria provided, single submitter. Criteria: Invitae Variant Classification Sherloc (09022015). Collection method: clinical testing. Allele origin: germline.
Comment: This sequence change affects codon 683 of the SLC27A5 mRNA. It is a 'silent' change, meaning that it does not change the encoded amino acid sequence of the SLC27A5 protein. This variant is not present in population databases (gnomAD no frequency). This variant has not been reported in the literature in individuals affected with SLC27A5-related conditions. Algorithms developed to predict the effect of sequence changes on RNA splicing suggest that this variant may create or strengthen a splice site. In summary, the available evidence is currently insufficient to determine the role of this variant in disease. Therefore, it has been classified as a Variant of Uncertain Significance.

NM_012254.3(SLC27A5):c.2049G>A (p.Val683=)

Gene: SLC27A5 (solute carrier family 27 member 5; minus strand). Cytogenetic location: 19q13.43.
Variant type: single nucleotide variant.
Coding change: c.2049G>A on transcript NM_012254.3 (MANE Select); coding-DNA position 2049, G replaced by A.
Protein change: p.Val683=; no amino-acid change (valine 683 retained).
Molecular consequence: synonymous variant.
Genome position (GRCh38, 1-based): chr19:58,498,539, C>T on the plus strand (G>A on the coding strand, the complement: SLC27A5 is on the minus strand). VCF-style: chr19-58498539-C-T. GRCh37 (hg19) VCF-style: chr19-59009906-C-T.
Other names: c.1797G>A, p.Val599= (NM_001321196.2).
Identifiers: ClinVar variation 2900689 (VCV002900689.3), dbSNP rs552597468, ClinGen allele CA9717737.
Genomic context (GRCh38, chr19:58,498,539, plus strand): 5'-GGCTTTGATCCCTACCCCAGTGGGTTGGCCAGGTGATCAGAGCCTCCAGGTTCCCTCACA[C>T]ACAGCCTGGTACATTTCTGCCGTCAGGGGCCGGAAGGACTGGGCCCGGTTGTCCAGTACA-3'
Protein context (NP_036386.1, residues 673-690): RPLTAEMYQA[Val683=]CEGTWRL